The following is an entry in ClinVar:

ClinVar aggregate classification (germline): Benign/Likely benign. Review status: criteria provided, multiple submitters, no conflicts (2 of 4 stars). 7 submissions from 7 submitters: Benign (4); Likely benign (2). 1 of the submissions does not count toward it. Last evaluated 2026-02-04.

Conditions:
TAP2 POLYMORPHISM.
MHC class I deficiency. Identifiers: Orphanet 34592, MedGen C6024714, MONDO:0011476.

Allele frequency attached by ClinVar (database versions not stated): ExAC 0.14368; gnomAD exomes 0.14396; 1000 Genomes Project 30x 0.14397; gnomAD 0.14502 and 0.14398; TOPMed 0.14558; 1000 Genomes Project 0.14597.

Submissions (7):

Labcorp Genetics (formerly Invitae), Labcorp
Classification: Benign for MHC class I deficiency 1. Last evaluated: 2026-02-04. Review status: criteria provided, single submitter. Criteria: Invitae Variant Classification Sherloc (09022015). Collection method: clinical testing. Allele origin: germline.

Women's Health and Genetics/Laboratory Corporation of America, LabCorp
Classification: Likely benign. Last evaluated: 2026-01-21. Review status: criteria provided, single submitter. Criteria: LabCorp Variant Classification Summary - May 2015. Collection method: clinical testing. Allele origin: germline.

Blueprint Genetics
Classification: Likely benign. Last evaluated: 2024-11-27. Review status: criteria provided, single submitter. Criteria: ACMG Guidelines, 2015. Collection method: clinical testing. Allele origin: germline.

Genome-Nilou Lab
Classification: Benign for MHC class I deficiency 1. Last evaluated: 2021-07-15. Review status: criteria provided, single submitter. Criteria: ACMG Guidelines, 2015. Collection method: clinical testing. Allele origin: germline. Affected: no.

Mayo Clinic Laboratories, Mayo Clinic
Classification: Benign. Last evaluated: 2018-03-21. Review status: criteria provided, single submitter. Criteria: ACMG Guidelines, 2015. Collection method: clinical testing. Allele origin: germline. Observed: 25 variant alleles.

Laboratory for Molecular Medicine, Mass General Brigham Personalized Medicine
Classification: Benign. Last evaluated: 2016-03-28. Review status: criteria provided, single submitter. Criteria: LMM Criteria. Collection method: clinical testing. Allele origin: germline.
Comment: Variant identified in a genome or exome case(s) and assessed due to predicted null impact of the variant or pathogenic assertions in the literature or databases. Disclaimer: This variant has not undergone full assessment. The following are preliminary notes: Frequency

OMIM
Classification: Benign for TAP2 POLYMORPHISM. Last evaluated: 1992-05-01. Review status: no assertion criteria provided. Collection method: literature only. Allele origin: germline. Not counted in ClinVar's aggregate classification.

Literature cited by the submitters: PubMed 1570316 (cited by OMIM).

NM_001290043.2(TAP2):c.1135G>A (p.Val379Ile)

Gene: TAP2 (transporter 2, ATP binding cassette subfamily B member; minus strand). Cytogenetic location: 6p21.32.
Variant type: single nucleotide variant.
Coding change: c.1135G>A on transcript NM_001290043.2 (MANE Select); coding-DNA position 1135, G replaced by A.
Protein change: p.Val379Ile; replaces valine 379 with isoleucine.
Molecular consequence: missense variant.
Genome position (GRCh38, 1-based): chr6:32,832,635, C>T on the plus strand (G>A on the coding strand, the complement: TAP2 is on the minus strand). VCF-style: chr6-32832635-C-T. GRCh37 (hg19) VCF-style: chr6-32800412-C-T.
Other names: I379V; c.1135G>A, p.Val379Ile (NM_000544.3, NM_018833.3); short protein forms V379I.
Identifiers: ClinVar variation 13724 (VCV000013724.21), dbSNP rs1800454, ClinGen allele CA123397.